The following is an entry in ClinVar:

ClinVar aggregate classification (germline): Uncertain significance (1 of 4 stars; one submission).

Conditions:
Familial hypocalciuric hypercalcemia (FHH). Also called: Familial benign hypercalcemia. Identifiers: Orphanet 405, MedGen C1809471, MONDO:0018458.
Autosomal dominant hypocalcemia 1 (HYPOC1). Also called: HYPOCALCEMIA, FAMILIAL. Identifiers: MedGen C3715128, MONDO:0011013, OMIM 601198.

Allele frequency attached by ClinVar (database versions not stated): gnomAD exomes below 0.00001.
gnomAD v4.1: 2 of 1,614,060 alleles (0.00012%); highest among the groups gnomAD compares: African/African-American, 0.0027%; no homozygotes.

Submission:

Labcorp Genetics (formerly Invitae), Labcorp
Classification: Uncertain significance for Familial hypocalciuric hypercalcemia; Autosomal dominant hypocalcemia 1. Last evaluated: 2023-07-27. Review status: criteria provided, single submitter. Criteria: Invitae Variant Classification Sherloc (09022015). Collection method: clinical testing. Allele origin: germline.
Comment: This sequence change replaces glutamine, which is neutral and polar, with glutamic acid, which is acidic and polar, at codon 1001 of the CASR protein (p.Gln1001Glu). This variant is present in population databases (no rsID available, gnomAD 0.01%). In summary, the available evidence is currently insufficient to determine the role of this variant in disease. Therefore, it has been classified as a Variant of Uncertain Significance. An algorithm developed to predict the effect of missense changes on protein structure and function (PolyPhen-2) suggests that this variant is likely to be tolerated. ClinVar contains an entry for this variant (Variation ID: 1465318). This variant has not been reported in the literature in individuals affected with CASR-related conditions.

NM_000388.4(CASR):c.3001C>G (p.Gln1001Glu)

Gene: CASR (calcium sensing receptor; plus strand). Cytogenetic location: 3q21.1.
Variant type: single nucleotide variant.
Coding change: c.3001C>G on transcript NM_000388.4 (MANE Select); coding-DNA position 3001, C replaced by G.
Protein change: p.Gln1001Glu; replaces glutamine 1001 with glutamic acid.
Molecular consequence: missense variant.
Genome position (GRCh38, 1-based): chr3:122,284,955, C>G. VCF-style: chr3-122284955-C-G. GRCh37 (hg19) VCF-style: chr3-122003802-C-G.
Other names: c.3031C>G, p.Gln1011Glu (NM_001178065.2); short protein forms Q1001E, Q1011E.
Identifiers: ClinVar variation 1465318 (VCV001465318.8), dbSNP rs756322971, ClinGen allele CA354161238.